The following is an entry in ClinVar:

ClinVar aggregate classification (germline): Uncertain significance (1 of 4 stars; one submission).

Allele frequency attached by ClinVar (database versions not stated): gnomAD exomes below 0.00001.
gnomAD v4.1: 1 of 1,549,634 alleles (0.000065%); highest among the groups gnomAD compares: Non-Finnish European, 0.000087%; no homozygotes.

Submission:

GeneDx
Classification: Uncertain significance. Last evaluated: 2023-01-09. Review status: criteria provided, single submitter. Criteria: GeneDx Variant Classification Process June 2021. Collection method: clinical testing. Allele origin: germline. Affected: yes.
Comment: Not observed at significant frequency in large population cohorts (gnomAD); In silico analysis supports that this missense variant does not alter protein structure/function; Has not been previously published as pathogenic or benign to our knowledge

NM_018480.7(TMEM126B):c.664A>C (p.Thr222Pro)

Gene: TMEM126B (transmembrane protein 126B; plus strand). Cytogenetic location: 11q14.1.
Variant type: single nucleotide variant.
Coding change: c.664A>C on transcript NM_018480.7 (MANE Select); coding-DNA position 664, A replaced by C.
Protein change: p.Thr222Pro; replaces threonine 222 with proline.
Molecular consequence: missense variant. On other transcripts: non-coding transcript variant (2).
Genome position (GRCh38, 1-based): chr11:85,636,200, A>C. VCF-style: chr11-85636200-A-C. GRCh37 (hg19) VCF-style: chr11-85347244-A-C.
Other names: c.604A>C, p.Thr202Pro (NM_001193537.3); c.574A>C, p.Thr192Pro (NM_001193538.3, NM_001256546.2); c.526A>C, p.Thr176Pro (NM_001256547.2); c.439A>C, p.Thr147Pro (NM_001350393.1); short protein forms T147P, T176P, T192P, T202P, T222P.
Identifiers: ClinVar variation 2571766 (VCV002571766.1), dbSNP rs2547847248, ClinGen allele CA381992715.